The following is an entry in ClinVar:

ClinVar aggregate classification (germline): Uncertain significance. Review status: criteria provided, multiple submitters, no conflicts (2 of 4 stars). 6 submissions from 6 submitters: Uncertain significance (6). Last evaluated 2026-01-11.

Conditions:
Familial cancer of breast. Also called: BREAST CANCER, FAMILIAL; Hereditary breast cancer; hereditary breast carcinoma. Identifiers: Orphanet 227535, MedGen C0346153, MONDO:0016419, OMIM 114480. Disease mechanism: loss of function.
Fanconi anemia complementation group J. Also called: BRIP1-Related Fanconi Anemia. Identifiers: Orphanet 84, MedGen C1836860, MONDO:0012187, OMIM 609054.
Hereditary cancer-predisposing syndrome. Also called: Tumor predisposition; Neoplastic Syndromes, Hereditary; Hereditary Cancer Syndrome; Hereditary neoplastic syndrome. Identifiers: Orphanet 140162, MedGen C0027672, MeSH D009386, MONDO:0015356.

Submissions (6):

Labcorp Genetics (formerly Invitae), Labcorp
Classification: Uncertain significance for Familial cancer of breast; Fanconi anemia complementation group J. Last evaluated: 2026-01-11. Review status: criteria provided, single submitter. Criteria: Invitae Variant Classification Sherloc (09022015). Collection method: clinical testing. Allele origin: germline.
Comment: This sequence change replaces isoleucine, which is neutral and non-polar, with threonine, which is neutral and polar, at codon 843 of the BRIP1 protein (p.Ile843Thr). This variant is not present in population databases (gnomAD no frequency). This variant has not been reported in the literature in individuals affected with BRIP1-related conditions. ClinVar contains an entry for this variant (Variation ID: 628967). Invitae Evidence Modeling of protein sequence and biophysical properties (such as structural, functional, and spatial information, amino acid conservation, physicochemical variation, residue mobility, and thermodynamic stability) indicates that this missense variant is expected to disrupt BRIP1 protein function with a positive predictive value of 95%. In summary, the available evidence is currently insufficient to determine the role of this variant in disease. Therefore, it has been classified as a Variant of Uncertain Significance.

Ambry Genetics
Classification: Uncertain significance for Hereditary cancer-predisposing syndrome. Last evaluated: 2024-10-14. Review status: criteria provided, single submitter. Criteria: Ambry Variant Classification Scheme 2023. Collection method: clinical testing. Allele origin: germline.
Comment: The p.I843T variant (also known as c.2528T>C), located in coding exon 17 of the BRIP1 gene, results from a T to C substitution at nucleotide position 2528. The isoleucine at codon 843 is replaced by threonine, an amino acid with similar properties. This amino acid position is highly conserved in available vertebrate species. In addition, this alteration is predicted to be deleterious by in silico analysis. Since supporting evidence is limited at this time, the clinical significance of this alteration remains unclear.

Blueprint Genetics
Classification: Uncertain significance. Last evaluated: 2024-08-05. Review status: criteria provided, single submitter. Criteria: ACMG Guidelines, 2015. Collection method: clinical testing. Allele origin: germline.

Fulgent Genetics
Classification: Uncertain significance for Familial cancer of breast; Fanconi anemia complementation group J. Last evaluated: 2024-03-27. Review status: criteria provided, single submitter. Criteria: ACMG Guidelines, 2015. Collection method: clinical testing. Allele origin: germline.

Color Diagnostics, LLC DBA Color Health
Classification: Uncertain significance for Hereditary cancer-predisposing syndrome. Last evaluated: 2024-03-06. Review status: criteria provided, single submitter. Criteria: ACMG Guidelines, 2015. Collection method: clinical testing. Allele origin: germline.
Comment: This missense variant replaces isoleucine with threonine at codon 843 of the BRIP1 protein. Computational prediction suggests that this variant may have deleterious impact on protein structure and function (internally defined REVEL score threshold >= 0.7, PMID: 27666373). To our knowledge, functional studies have not been reported for this variant. This variant has not been reported in individuals affected with hereditary cancer in the literature. This variant has not been identified in the general population by the Genome Aggregation Database (gnomAD). The available evidence is insufficient to determine the role of this variant in disease conclusively. Therefore, this variant is classified as a Variant of Uncertain Significance.

GeneDx
Classification: Uncertain significance. Last evaluated: 2022-11-18. Review status: criteria provided, single submitter. Criteria: GeneDx Variant Classification Process June 2021. Collection method: clinical testing. Allele origin: germline. Affected: yes.
Comment: Not observed at significant frequency in large population cohorts (gnomAD); In silico analysis supports that this missense variant has a deleterious effect on protein structure/function; Has not been previously published as pathogenic or benign to our knowledge

NM_032043.3(BRIP1):c.2528T>C (p.Ile843Thr)

Gene: BRIP1 (BRCA1 interacting DNA helicase 1; minus strand). Cytogenetic location: 17q23.2.
Variant type: single nucleotide variant.
Coding change: c.2528T>C on transcript NM_032043.3 (MANE Select); coding-DNA position 2528, T replaced by C.
Protein change: p.Ile843Thr; replaces isoleucine 843 with threonine.
Molecular consequence: missense variant.
Genome position (GRCh38, 1-based): chr17:61,693,477, A>G on the plus strand (T>C on the coding strand, the complement: BRIP1 is on the minus strand). VCF-style: chr17-61693477-A-G. GRCh37 (hg19) VCF-style: chr17-59770838-A-G.
Other names: short protein forms I843T.
Identifiers: ClinVar variation 628967 (VCV000628967.18), dbSNP rs996693020, ClinGen allele CA292270118.
Genomic context (GRCh38, chr17:61,693,477, plus strand): 5'-GCTGAGATCTTACCAGATATATAGCGACTTGGGTTATTCCTAAAGCGATCATCCACTAGA[A>G]TAAGAGCTCCCCAATCATTTCTGTGTCTAATACATCTAGAAAAAATAGGGAAAAAGTCAA-3'
Protein context (NP_114432.2, residues 833-853): IRHRNDWGAL[Ile843Thr]LVDDRFRNNP